The following is an entry in ClinVar:

NM_024426.6(WT1):c.71G>A (p.Arg24His)

Genes: WT1 (WT1 transcription factor; minus strand), LOC107982234 (WT1/WT1-AS bi-directional promoter region; plus strand). Cytogenetic location: 11p13.
Variant type: single nucleotide variant.
Coding change: c.71G>A on transcript NM_024426.6 (MANE Select); coding-DNA position 71, G replaced by A.
Protein change: p.Arg24His; replaces arginine 24 with histidine.
Molecular consequence: missense variant. On other transcripts: non-coding transcript variant (1).
Genome position (GRCh38, 1-based): chr11:32,435,290, C>T on the plus strand (G>A on the coding strand, the complement: WT1 is on the minus strand). VCF-style: chr11-32435290-C-T. GRCh37 (hg19) VCF-style: chr11-32456836-C-T.
Other names: c.71G>A, p.Arg24His (NM_000378.6, NM_024424.5); short protein forms R24H.
Identifiers: ClinVar variation 839396 (VCV000839396.10), dbSNP rs1330792627, ClinGen allele CA379966447.
Genomic context (GRCh38, chr11:32,435,290, plus strand): 5'-ATGCCGCCCGGGTCCCGGACTCCCTGCTGCTCTGGCTGCTGTAGGCACCCAGGCCCGGAG[C>T]GGAGCGTGTGCTGAGACGCCGGCTCCGGGACACACGTGGAAGCCGGGTCCTGCAGCAAGA-3'
Protein context (NP_077744.4, residues 14-34): VPEPASQHTL[Arg24His]SGPGCLQQPE

ClinVar aggregate classification (germline): Conflicting classifications of pathogenicity. Review status: criteria provided, conflicting classifications (1 of 4 stars). 2 submissions from 2 submitters: Uncertain significance (1); Likely benign (1). Last evaluated 2025-05-28.

Conditions:
Drash syndrome (DDS). Also called: WILMS TUMOR AND PSEUDO- OR TRUE HERMAPHRODITISM; NEPHROPATHY, WILMS TUMOR, AND GENITAL ANOMALIES. Identifiers: Orphanet 220, MedGen C0950121, MONDO:0008682, OMIM 194080.
Frasier syndrome. Identifiers: Orphanet 347, MedGen C0950122, MeSH D052159, MONDO:0007635, OMIM 136680.
Wilms tumor 1 (WT1). Also called: Wilms tumor, somatic. Identifiers: Orphanet 654, MedGen CN033288, MONDO:0008679, OMIM 194070.
11p partial monosomy syndrome (WAGR). Also called: WAGR Complex; CHROMOSOME 11p13 DELETION SYNDROME; WAGR syndrome; WAGR Spectrum Disorder. Identifiers: Orphanet 893, MedGen C0206115, MONDO:0008681, OMIM 194072.
Inborn genetic diseases. Identifiers: MedGen C0950123, MeSH D030342.

Allele frequency attached by ClinVar (database versions not stated): gnomAD 0.00001; gnomAD exomes 0.00001; TOPMed 0.00001.
gnomAD v4.1: 8 of 1,533,580 alleles (0.00052%); highest among the groups gnomAD compares: Admixed American, 0.002%; no homozygotes.

Submissions (2):

Ambry Genetics
Classification: Likely benign for Inborn genetic diseases. Last evaluated: 2025-05-28. Review status: criteria provided, single submitter. Criteria: Ambry Variant Classification Scheme 2023. Collection method: clinical testing. Allele origin: germline.

Labcorp Genetics (formerly Invitae), Labcorp
Classification: Uncertain significance for Wilms tumor 1; Drash syndrome; 11p partial monosomy syndrome; Frasier syndrome. Last evaluated: 2024-04-29. Review status: criteria provided, single submitter. Criteria: Invitae Variant Classification Sherloc (09022015). Collection method: clinical testing. Allele origin: germline.
Comment: This sequence change replaces arginine, which is basic and polar, with histidine, which is basic and polar, at codon 19 of the WT1 protein (p.Arg19His). This variant is present in population databases (no rsID available, gnomAD 0.007%). This variant has not been reported in the literature in individuals affected with WT1-related conditions. ClinVar contains an entry for this variant (Variation ID: 839396). An algorithm developed to predict the effect of missense changes on protein structure and function (PolyPhen-2) suggests that this variant¬¨‚Ä†is likely to be tolerated. In summary, the available evidence is currently insufficient to determine the role of this variant in disease. Therefore, it has been classified as a Variant of Uncertain Significance.